The following is an entry in ClinVar:

ClinVar aggregate classification (germline): Uncertain significance (1 of 4 stars; one submission).

Submission:

GeneDx
Classification: Uncertain significance. Last evaluated: 2026-09-21. Review status: criteria provided, single submitter. Criteria: GeneDx Variant Classification Process June 2021. Collection method: clinical testing. Allele origin: germline.
Comment: Frameshift variant predicted to result in abnormal protein length as the last 184 amino acids are replaced with 21 different amino acids with an unclear effect on protein function; Has not been previously published as pathogenic or benign to our knowledge

NM_016519.6(AMBN):c.789del (p.Glu264fs)

Gene: AMBN (ameloblastin; plus strand). Cytogenetic location: 4q13.3.
Variant type: Deletion.
Coding change: c.789del on transcript NM_016519.6 (MANE Select); coding-DNA position 789, one base deleted (A; older notation c.789delA).
Protein change: p.Glu264fs; shifts the reading frame from glutamic acid 264.
Molecular consequence: frameshift variant.
Genome position (GRCh38, 1-based): chr4:70,603,912, A deleted; the last of 2 consecutive A bases (chr4:70,603,911-70,603,912); deleting either gives the same sequence. VCF-style (leftmost placement, unchanged base first): chr4-70603910-GA-G. GRCh37 (hg19) VCF-style: chr4-71469627-GA-G.
Other names: short protein forms E264fs.
Identifiers: ClinVar variation 3781265 (VCV003781265.2).
Genomic context (GRCh38, chr4:70,603,910, plus strand): 5'-TTTGACGCAATATTTCTTTTTGAACAGAATGCCCCTGCCAGACTTGGCATCATGAGTTCA[GA>G]AGAAGTGGCAGTGAGTAATGTCTTCTAACTCTTCTTAAAATAGTGGCCAGGGAAGAACAG-3'